The following is an entry in ClinVar:

GRCh37/hg19 20q11.21-13.12(chr20:31010829-44560369)x1

Genes: RIMS4 (regulating synaptic membrane exocytosis 4; minus strand), ROMO1 (reactive oxygen species modulator 1; plus strand), RPN2 (ribophorin II; plus strand), RPRD1B (regulation of nuclear pre-mRNA domain containing 1B; plus strand), SAMHD1 (SAM and HD domain containing deoxynucleoside triphosphate triphosphohydrolase 1; minus strand) and 165 more. Cytogenetic location: 20q11.21-13.12.
Variant type: copy number loss.
Change: copy number 1 (one copy instead of two) of chr20:31,010,829-44,560,369 (13.55 Mb, GRCh37 coordinates, 1-based), cytogenetic band 20q11.21-13.12.
Identifiers: ClinVar variation 4682965 (VCV004682965.1).

ClinVar aggregate classification (germline): Pathogenic (1 of 4 stars; one submission).

Submission:

Quest Diagnostics Nichols Institute San Juan Capistrano
Classification: Pathogenic. Last evaluated: 2025-05-27. Review status: criteria provided, single submitter. Criteria: ACMG/ClinGen CNV Guidelines, 2019. Collection method: clinical testing. Allele origin: unknown.
Comment: This deletion involves at least 169 protein-coding genes. Deletions contained within 20q11.21q13.12 have been identified in individuals with various phenotypes (Bensaid 2024, Firth 2009, Jedraszak 2015). Additionally, haploinsufficiency of ASXL1 is associated with autosomal dominant Bohring-Opitz syndrome (OMIM 605039; CCID:006703; Zhao 2021), and haploinsufficiency of GDF5 is associated with autosomal dominant brachydactyly type C (OMIM 113100; CCID:007201). There are no similar copy number losses of this region in the general populations of the Database of Genomic Variants. Thus, this copy number variant (CNV) is classified as pathogenic. References: Bensaid et al., Am J Med Genet A. 2024 Jul;194(7):e63580. PMID: 38511524 Firth et al., Am J Hum Genet. 2009 Apr;84(4):524-33. PMID: 19344873 Jedraszak et al., Am J Med Genet A. 2015 Mar;167A(3):504-11. PMID: 25572454 Zhao et al., Eur J Med Genet. 2021 Mar;64(3):104155. PMID: 33529703